The following is an entry in ClinVar:

ClinVar aggregate classification (germline): Uncertain significance (1 of 4 stars; one submission).

Submission:

GeneDx
Classification: Uncertain significance. Last evaluated: 2023-11-14. Review status: criteria provided, single submitter. Criteria: GeneDx Variant Classification Process June 2021. Collection method: clinical testing. Allele origin: germline. Affected: yes.
Comment: Not observed at significant frequency in large population cohorts (gnomAD); In silico analysis supports that this missense variant does not alter protein structure/function; Has not been previously published as pathogenic or benign to our knowledge

NM_021096.4(CACNA1I):c.4898A>T (p.Tyr1633Phe)

Gene: CACNA1I (calcium voltage-gated channel subunit alpha1 I; plus strand). Cytogenetic location: 22q13.1.
Variant type: single nucleotide variant.
Coding change: c.4898A>T on transcript NM_021096.4 (MANE Select); coding-DNA position 4898, A replaced by T.
Protein change: p.Tyr1633Phe; replaces tyrosine 1633 with phenylalanine.
Molecular consequence: missense variant.
Genome position (GRCh38, 1-based): chr22:39,677,384, A>T. VCF-style: chr22-39677384-A-T. GRCh37 (hg19) VCF-style: chr22-40073389-A-T.
Other names: c.4793A>T, p.Tyr1598Phe (NM_001003406.2); short protein forms Y1598F, Y1633F.
Identifiers: ClinVar variation 3364222 (VCV003364222.1).
Genomic context (GRCh38, chr22:39,677,384, plus strand): 5'-CACCTGTCCTCCCGCAGGTGGGCAACCTGGGCCTCCTCTTCATGCTGCTCTTCTTCATCT[A>T]TGCTGCTCTCGGGGTGGAGCTCTTTGGGAAGCTGGGTGAGTGACTCCCAGAGCAGGCCCG-3'
Protein context (NP_066919.2, residues 1623-1643): GLLFMLLFFI[Tyr1633Phe]AALGVELFGK